The following is an entry in ClinVar:

ClinVar aggregate classification (germline): Uncertain significance (1 of 4 stars; one submission).

Conditions:
Episodic ataxia type 2 (EA2). Also called: EPISODIC ATAXIA, NYSTAGMUS-ASSOCIATED; ATAXIA, EPISODIC, WITH NYSTAGMUS; ATAXIA, FAMILIAL PAROXYSMAL; CEREBELLAR ATAXIA, PAROXYSMAL, ACETAZOLAMIDE-RESPONSIVE; CEREBELLOPATHY, HEREDITARY PAROXYSMAL; ACETAZOLAMIDE-RESPONSIVE HEREDITARY PAROXYSMAL CEREBELLAR ATAXIA. Identifiers: Orphanet 97, MedGen C1720416, MONDO:0007163, OMIM 108500.
Developmental and epileptic encephalopathy, 42 (DEE42A). Also called: Epileptic encephalopathy, early infantile, 42; DEVELOPMENTAL AND EPILEPTIC ENCEPHALOPATHY 42A; EPILEPTIC ENCEPHALOPATHY, EARLY INFANTILE, 42A. Identifiers: MedGen C4310716, MONDO:0014917, OMIM 617106.

Allele frequency attached by ClinVar (database versions not stated): gnomAD exomes below 0.00001.
gnomAD v4.1: 1 of 1,613,634 alleles (0.000062%); highest among the groups gnomAD compares: Non-Finnish European, 0.000085%; no homozygotes.

Submission:

Labcorp Genetics (formerly Invitae), Labcorp
Classification: Uncertain significance for Developmental and epileptic encephalopathy, 42; Episodic ataxia type 2. Last evaluated: 2020-09-02. Review status: criteria provided, single submitter. Criteria: Invitae Variant Classification Sherloc (09022015). Collection method: clinical testing. Allele origin: germline.
Comment: In summary, the available evidence is currently insufficient to determine the role of this variant in disease. Therefore, it has been classified as a Variant of Uncertain Significance. Algorithms developed to predict the effect of missense changes on protein structure and function (SIFT, PolyPhen-2, Align-GVGD) all suggest that this variant is likely to be disruptive, but these predictions have not been confirmed by published functional studies and their clinical significance is uncertain. This variant has not been reported in the literature in individuals with CACNA1A-related conditions. ClinVar contains an entry for this variant (Variation ID: 542824). This variant is not present in population databases (ExAC no frequency). This sequence change replaces serine with phenylalanine at codon 163 of the CACNA1A protein (p.Ser163Phe). The serine residue is highly conserved and there is a large physicochemical difference between serine and phenylalanine.

NM_001127222.2(CACNA1A):c.488C>T (p.Ser163Phe)

Gene: CACNA1A (calcium voltage-gated channel subunit alpha1 A; minus strand). Cytogenetic location: 19p13.13.
Variant type: single nucleotide variant.
Coding change: c.488C>T on transcript NM_001127222.2 (MANE Select); coding-DNA position 488, C replaced by T.
Protein change: p.Ser163Phe; replaces serine 163 with phenylalanine.
Molecular consequence: missense variant.
Genome position (GRCh38, 1-based): chr19:13,452,927, G>A on the plus strand (C>T on the coding strand, the complement: CACNA1A is on the minus strand). VCF-style: chr19-13452927-G-A. GRCh37 (hg19) VCF-style: chr19-13563741-G-A.
Other names: c.488C>T, p.Ser163Phe (NM_000068.4, NM_001127221.2, NM_001174080.2 and 1 more transcripts); short protein forms S163F.
Identifiers: ClinVar variation 542824 (VCV000542824.9), dbSNP rs1555789107, ClinGen allele CA404967516.